The following is an entry in ClinVar:

ClinVar aggregate classification (germline): Uncertain significance. Review status: criteria provided, multiple submitters, no conflicts (2 of 4 stars). 2 submissions from 2 submitters: Uncertain significance (2). Last evaluated 2024-05-29.

Allele frequency attached by ClinVar (database versions not stated): ExAC 0.00007; TOPMed 0.00005; gnomAD exomes 0.00006; ESP Exome Variant Server 0.00038; gnomAD 0.00005.
gnomAD v4.1: 97 of 1,614,128 alleles (0.006%); highest among the groups gnomAD compares: Admixed American, 0.0083%; no homozygotes.

Submissions (2):

Ambry Genetics
Classification: Uncertain significance. Last evaluated: 2024-05-29. Review status: criteria provided, single submitter. Criteria: Ambry Variant Classification Scheme 2023. Collection method: clinical testing. Allele origin: germline.

Labcorp Genetics (formerly Invitae), Labcorp
Classification: Uncertain significance. Last evaluated: 2023-10-30. Review status: criteria provided, single submitter. Criteria: Invitae Variant Classification Sherloc (09022015). Collection method: clinical testing. Allele origin: germline.
Comment: This sequence change replaces arginine, which is basic and polar, with cysteine, which is neutral and slightly polar, at codon 494 of the MCM5 protein (p.Arg494Cys). This variant is present in population databases (rs141917933, gnomAD 0.009%). This variant has not been reported in the literature in individuals affected with MCM5-related conditions. ClinVar contains an entry for this variant (Variation ID: 2059340). Advanced modeling of protein sequence and biophysical properties (such as structural, functional, and spatial information, amino acid conservation, physicochemical variation, residue mobility, and thermodynamic stability) performed at Invitae indicates that this missense variant is expected to disrupt MCM5 protein function with a positive predictive value of 80%. In summary, the available evidence is currently insufficient to determine the role of this variant in disease. Therefore, it has been classified as a Variant of Uncertain Significance.

NM_006739.4(MCM5):c.1480C>T (p.Arg494Cys)

Gene: MCM5 (minichromosome maintenance complex component 5; plus strand). Cytogenetic location: 22q12.3.
Variant type: single nucleotide variant.
Coding change: c.1480C>T on transcript NM_006739.4 (MANE Select); coding-DNA position 1480, C replaced by T.
Protein change: p.Arg494Cys; replaces arginine 494 with cysteine.
Molecular consequence: missense variant.
Genome position (GRCh38, 1-based): chr22:35,416,704, C>T. VCF-style: chr22-35416704-C-T. GRCh37 (hg19) VCF-style: chr22-35812697-C-T.
Other names: c.1480C>T (NM_006739.3); short protein forms R494C.
Identifiers: ClinVar variation 2059340 (VCV002059340.5), dbSNP rs141917933, ClinGen allele CA10205394.